The following is an entry in ClinVar:

ClinVar aggregate classification (germline): Uncertain significance (1 of 4 stars; one submission).

Allele frequency attached by ClinVar (database versions not stated): TOPMed below 0.00001; gnomAD 0.00001.
gnomAD v4.1: 1 of 1,584,516 alleles (0.000063%); highest among the groups gnomAD compares: Admixed American, 0.0019%; no homozygotes.

Submission:

Labcorp Genetics (formerly Invitae), Labcorp
Classification: Uncertain significance. Last evaluated: 2022-09-27. Review status: criteria provided, single submitter. Criteria: Invitae Variant Classification Sherloc (09022015). Collection method: clinical testing. Allele origin: germline.
Comment: In summary, the available evidence is currently insufficient to determine the role of this variant in disease. Therefore, it has been classified as a Variant of Uncertain Significance. Algorithms developed to predict the effect of missense changes on protein structure and function are either unavailable or do not agree on the potential impact of this missense change (SIFT: "Tolerated"; PolyPhen-2: "Possibly Damaging"; Align-GVGD: "Class C0"). ClinVar contains an entry for this variant (Variation ID: 1349092). This variant has not been reported in the literature in individuals affected with EPS8L2-related conditions. This variant is not present in population databases (gnomAD no frequency). This sequence change replaces lysine, which is basic and polar, with glutamic acid, which is acidic and polar, at codon 287 of the EPS8L2 protein (p.Lys287Glu).

NM_022772.4(EPS8L2):c.859A>G (p.Lys287Glu)

Gene: EPS8L2 (EPS8 signaling adaptor L2; plus strand). Cytogenetic location: 11p15.5.
Variant type: single nucleotide variant.
Coding change: c.859A>G on transcript NM_022772.4 (MANE Select); coding-DNA position 859, A replaced by G.
Protein change: p.Lys287Glu; replaces lysine 287 with glutamic acid.
Molecular consequence: missense variant.
Genome position (GRCh38, 1-based): chr11:721,655, A>G. VCF-style: chr11-721655-A-G. GRCh37 (hg19) VCF-style: chr11-721655-A-G.
Other names: short protein forms K287E.
Identifiers: ClinVar variation 1349092 (VCV001349092.8), dbSNP rs1590054465, ClinGen allele CA378969332.